The following is an entry in ClinVar:

ClinVar aggregate classification (germline): Likely pathogenic (1 of 4 stars; one submission).

Conditions:
Aneurysm-osteoarthritis syndrome. Also called: SMAD3-Related Loeys-Dietz Syndrome; LOEYS-DIETZ SYNDROME WITH OSTEOARTHRITIS; ANEURYSMS-OSTEOARTHRITIS SYNDROME; Loeys-Dietz syndrome, type 1C. Identifiers: Orphanet 284984, MedGen C3151087, MONDO:0013426, OMIM 613795.

Submission:

Victorian Clinical Genetics Services, Murdoch Childrens Research Institute
Classification: Likely pathogenic for Aneurysm-osteoarthritis syndrome. Last evaluated: 2025-05-19. Review status: criteria provided, single submitter. Criteria: ACMG Guidelines, 2015. Collection method: clinical testing. Allele origin: germline. Affected: yes.
Comment: This variant is classified as Likely pathogenic. Evidence in support of pathogenic classification: Variant is predicted to result in an elongated protein; Variant is absent from gnomAD (v2, v3 and v4); Other elongation variants comparable to the one identified in this case have limited previous evidence for pathogenicity. p.(*426Tyrext*6) and p.(*426Leuext*6) have been classified as VUS by clinical laboratories in ClinVar, the former was observed in an individual with features consistent with Loeys-Dietz syndrome (personal communication). Several other elongation variants affecting more of the protein have been classified as pathogenic or likely pathogenic in ClinVar; Strong phenotype match for this individual. Additional information: This variant is heterozygous; This gene is associated with autosomal dominant disease; This variant has no previous evidence of pathogenicity; No published segregation evidence has been identified for this variant; No published functional evidence has been identified for this variant; Loss of function is a known mechanism of disease in this gene and is associated with Loeys-Dietz syndrome 3 (MIM#613795). Dominant negative is also a suggested mechanism for some missense variants (PMID: 30661052); Variants in this gene are known to have variable expressivity. Clinical features of Loeys-Dietz syndrome associated with SMAD3 are variable, and the penetrance of aortic events generally increases with age (PMID: 20301312, 30661052); Inheritance information for this variant is not currently available in this individual.

Literature cited by the submitters: PubMed 20301312; PubMed 30661052.

NM_005902.4(SMAD3):c.1272_1273delinsC (p.Ser425fs)

Gene: SMAD3 (SMAD family member 3; plus strand). Cytogenetic location: 15q22.33.
Variant type: Indel.
Coding change: c.1272_1273delinsC on transcript NM_005902.4 (MANE Select); coding-DNA positions 1272 to 1273, GT replaced by C.
Protein change: p.Ser425fs; shifts the reading frame from serine 425.
Molecular consequence: frameshift variant.
Genome position (GRCh38, 1-based): chr15:67,190,530-67,190,531, GT replaced by C. VCF-style: chr15-67190530-GT-C. GRCh37 (hg19) VCF-style: chr15-67482868-GT-C.
Other names: c.957_958delinsC, p.Ser320fs (NM_001145102.2, NM_001407016.1); c.1140_1141delinsC, p.Ser381fs (NM_001145103.2, NM_001407012.1); c.687_688delinsC, p.Ser230fs (NM_001145104.2, NM_001407017.1); c.1383_1384delinsC, p.Ser462fs (NM_001407011.1); c.1134_1135delinsC, p.Ser379fs (NM_001407013.1); c.1125_1126delinsC, p.Ser376fs (NM_001407014.1); c.825_826delinsC, p.Ser276fs (NM_001407015.1); short protein forms S230fs, S276fs, S320fs, S376fs, S379fs, S381fs, S425fs, S462fs.
Identifiers: ClinVar variation 4531511 (VCV004531511.1).